The following is an entry in ClinVar:

ClinVar aggregate classification (germline): Uncertain significance (1 of 4 stars; one submission).

Conditions:
Sulfite oxidase deficiency due to molybdenum cofactor deficiency type A. Also called: Molybdenum Cofactor Deficiency A; Molybdenum cofactor deficiency, complementation group A. Identifiers: Orphanet 308386, Orphanet 833, MedGen C1854988, MONDO:0009643, OMIM 252150.

Allele frequency attached by ClinVar (database versions not stated): gnomAD 0.00001.
gnomAD v4.1: 1 of 1,613,496 alleles (0.000062%); highest among the groups gnomAD compares: South Asian, 0.0011%; no homozygotes.

Submission:

Labcorp Genetics (formerly Invitae), Labcorp
Classification: Uncertain significance for Sulfite oxidase deficiency due to molybdenum cofactor deficiency type A. Last evaluated: 2022-06-29. Review status: criteria provided, single submitter. Criteria: Invitae Variant Classification Sherloc (09022015). Collection method: clinical testing. Allele origin: germline.
Comment: This sequence change replaces tryptophan, which is neutral and slightly polar, with glycine, which is neutral and non-polar, at codon 402 of the MOCS1 protein (p.Trp402Gly). This variant is present in population databases (no rsID available, gnomAD 0.003%). This variant has not been reported in the literature in individuals affected with MOCS1-related conditions. Algorithms developed to predict the effect of missense changes on protein structure and function are either unavailable or do not agree on the potential impact of this missense change (SIFT: "Not Available"; PolyPhen-2: "Benign"; Align-GVGD: "Not Available"). In summary, the available evidence is currently insufficient to determine the role of this variant in disease. Therefore, it has been classified as a Variant of Uncertain Significance.

NM_001358530.2(MOCS1):c.1204T>G (p.Trp402Gly)

Gene: MOCS1 (molybdenum cofactor synthesis 1; minus strand). Cytogenetic location: 6p21.2.
Variant type: single nucleotide variant.
Coding change: c.1204T>G on transcript NM_001358530.2 (MANE Select); coding-DNA position 1204, T replaced by G.
Protein change: p.Trp402Gly; replaces tryptophan 402 with glycine.
Molecular consequence: missense variant. On other transcripts: 3 prime UTR variant (4), non-coding transcript variant (1).
Genome position (GRCh38, 1-based): chr6:39,907,064, A>C on the plus strand (T>G on the coding strand, the complement: MOCS1 is on the minus strand). VCF-style: chr6-39907064-A-C. GRCh37 (hg19) VCF-style: chr6-39874840-A-C.
Other names: c.*61T>G (NM_001075098.4, NM_001358533.2, NM_001358534.2 and 1 more transcripts); c.1156T>G, p.Trp386Gly (NM_001358529.2); c.943T>G, p.Trp315Gly (NM_001358531.2); short protein forms W402G, W315G, W386G.
Identifiers: ClinVar variation 1977618 (VCV001977618.2), dbSNP rs1197538955, ClinGen allele CA364041176.